The following is an entry in ClinVar:

ClinVar aggregate classification (germline): Uncertain significance. Review status: criteria provided, multiple submitters, no conflicts (2 of 4 stars). 2 submissions from 2 submitters: Uncertain significance (2). Last evaluated 2025-03-04.

Conditions:
TUBB1-related disorder. Also called: TUBB1-related condition.

Allele frequency attached by ClinVar (database versions not stated): ExAC 0.00001; gnomAD 0.00001; gnomAD exomes 0.00002; TOPMed 0.00002.
gnomAD v4.1: 31 of 1,614,060 alleles (0.0019%); highest among the groups gnomAD compares: Non-Finnish European, 0.0023%; no homozygotes.

Submissions (2):

Center for Genomic Medicine, Rigshospitalet, Copenhagen University Hospital
Classification: Uncertain significance. Last evaluated: 2025-03-04. Review status: criteria provided, single submitter. Criteria: ACMG Guidelines, 2015. Collection method: clinical testing. Allele origin: germline.

PreventionGenetics, part of Exact Sciences
Classification: Uncertain significance for TUBB1-related condition. Last evaluated: 2022-08-26. Review status: criteria provided, single submitter. Criteria: ACMG Guidelines, 2015. Collection method: clinical testing. Allele origin: germline.
Comment: The TUBB1 c.49G>A variant is predicted to result in the amino acid substitution p.Gly17Arg. This variant has been reported in a cohort study (Backman. 2021. PubMed ID: 34662886. Supplementary Data 2). This variant is reported in 0.0018% of alleles in individuals of European (Non-Finnish) descent in gnomAD. At this time, the clinical significance of this variant is uncertain due to the absence of conclusive functional and genetic evidence.

NM_030773.4(TUBB1):c.49G>A (p.Gly17Arg)

Gene: TUBB1 (tubulin beta 1 class VI; plus strand). Cytogenetic location: 20q13.32.
Variant type: single nucleotide variant.
Coding change: c.49G>A on transcript NM_030773.4 (MANE Select); coding-DNA position 49, G replaced by A.
Protein change: p.Gly17Arg; replaces glycine 17 with arginine.
Molecular consequence: missense variant.
Genome position (GRCh38, 1-based): chr20:59,019,571, G>A. VCF-style: chr20-59019571-G-A. GRCh37 (hg19) VCF-style: chr20-57594626-G-A.
Other names: short protein forms G17R.
Identifiers: ClinVar variation 2629031 (VCV002629031.2), dbSNP rs777571043, ClinGen allele CA9928325.